The following is an entry in ClinVar:

ClinVar aggregate classification (germline): Uncertain significance. Review status: criteria provided, multiple submitters, no conflicts (2 of 4 stars). 3 submissions from 3 submitters: Uncertain significance (3). Last evaluated 2023-08-04.

Conditions:
Hereditary nonpolyposis colorectal neoplasms. Identifiers: MedGen C0009405, MeSH D003123.
Hereditary cancer-predisposing syndrome. Also called: Hereditary Cancer Syndrome; Hereditary neoplastic syndrome; Tumor predisposition; Neoplastic Syndromes, Hereditary. Identifiers: Orphanet 140162, MedGen C0027672, MeSH D009386, MONDO:0015356.

Submissions (3):

Women's Health and Genetics/Laboratory Corporation of America, LabCorp
Classification: Uncertain significance. Last evaluated: 2023-08-04. Review status: criteria provided, single submitter. Criteria: LabCorp Variant Classification Summary - May 2015. Collection method: clinical testing. Allele origin: germline.

Labcorp Genetics (formerly Invitae), Labcorp
Classification: Uncertain significance for Hereditary nonpolyposis colorectal neoplasms. Last evaluated: 2023-07-25. Review status: criteria provided, single submitter. Criteria: Invitae Variant Classification Sherloc (09022015). Collection method: clinical testing. Allele origin: germline.
Comment: In summary, the available evidence is currently insufficient to determine the role of this variant in disease. Therefore, it has been classified as a Variant of Uncertain Significance. Advanced modeling of protein sequence and biophysical properties (such as structural, functional, and spatial information, amino acid conservation, physicochemical variation, residue mobility, and thermodynamic stability) performed at Invitae indicates that this missense variant is not expected to disrupt PMS2 protein function. ClinVar contains an entry for this variant (Variation ID: 1791507). This variant has not been reported in the literature in individuals affected with PMS2-related conditions. The frequency data for this variant in the population databases (gnomAD) is considered unreliable due to the presence of homologous sequence, such as pseudogenes or paralogs, in the genome. This sequence change replaces isoleucine, which is neutral and non-polar, with valine, which is neutral and non-polar, at codon 818 of the PMS2 protein (p.Ile818Val).

Ambry Genetics
Classification: Uncertain significance for Hereditary cancer-predisposing syndrome. Last evaluated: 2022-10-20. Review status: criteria provided, single submitter. Criteria: Ambry Variant Classification Scheme 2023. Collection method: clinical testing. Allele origin: germline.
Comment: The p.I818V variant (also known as c.2452A>G), located in coding exon 15 of the PMS2 gene, results from an A to G substitution at nucleotide position 2452. The isoleucine at codon 818 is replaced by valine, an amino acid with highly similar properties. This amino acid position is conserved. In addition, this alteration is predicted to be tolerated by in silico analysis. Since supporting evidence is limited at this time, the clinical significance of this alteration remains unclear.

NM_000535.7(PMS2):c.2452A>G (p.Ile818Val)

Gene: PMS2 (PMS1 homolog 2, mismatch repair system component; minus strand). Cytogenetic location: 7p22.1.
Variant type: single nucleotide variant.
Coding change: c.2452A>G on transcript NM_000535.7 (MANE Select); coding-DNA position 2452, A replaced by G.
Protein change: p.Ile818Val; replaces isoleucine 818 with valine.
Molecular consequence: missense variant. On other transcripts: non-coding transcript variant (1).
Genome position (GRCh38, 1-based): chr7:5,973,536, T>C on the plus strand (A>G on the coding strand, the complement: PMS2 is on the minus strand). VCF-style: chr7-5973536-T-C. GRCh37 (hg19) VCF-style: chr7-6013167-T-C.
Other names: c.2047A>G, p.Ile683Val (NM_001018040.1, NM_001322003.2, NM_001322004.2 and 12 more transcripts); c.2296A>G, p.Ile766Val (NM_001322006.2); c.2134A>G, p.Ile712Val (NM_001322007.2, NM_001322008.2, NM_001406883.1); c.2080A>G, p.Ile694Val (NM_001322009.2, NM_001406887.1, NM_001406888.1); c.1891A>G, p.Ile631Val (NM_001322010.2, NM_001406906.1, NM_001406907.1); c.1519A>G, p.Ile507Val (NM_001322011.2, NM_001322012.2); c.1879A>G, p.Ile627Val (NM_001322013.2, NM_001406908.1, NM_001406909.1); c.2485A>G, p.Ile829Val (NM_001322014.2); and 21 more; short protein forms I417V, I627V, I660V, I683V, I706V, I712V, I723V, I726V.
Identifiers: ClinVar variation 1791507 (VCV001791507.6), dbSNP rs2128659230, ClinGen allele CA366735031.